The following is an entry in ClinVar:

NM_004725.4(BUB3):c.124T>C (p.Tyr42His)

Genes: BUB3 (BUB3 mitotic checkpoint protein; plus strand), LOC130004885 (ATAC-STARR-seq lymphoblastoid active region 4151; plus strand). Cytogenetic location: 10q26.13.
Variant type: single nucleotide variant.
Coding change: c.124T>C on transcript NM_004725.4 (MANE Select); coding-DNA position 124, T replaced by C.
Protein change: p.Tyr42His; replaces tyrosine 42 with histidine.
Molecular consequence: missense variant.
Genome position (GRCh38, 1-based): chr10:123,155,041, T>C. VCF-style: chr10-123155041-T-C. GRCh37 (hg19) VCF-style: chr10-124914557-T-C.
Other names: c.124T>C, p.Tyr42His (NM_001007793.3); short protein forms Y42H.
Identifiers: ClinVar variation 1760474 (VCV001760474.2), dbSNP rs2493755448, ClinGen allele CA378624988.
Genomic context (GRCh38, chr10:123,155,041, plus strand): 5'-TTCAGCCCCAACACCTCCCAGTTCCTGCTTGTCTCCTCCTGGGACACGTCCGTGCGTCTC[T>C]ACGATGTGCCGGCCAACTCCATGCGGCTCAAGTACCAGCACACCGGCGCCGTCCTGGACT-3'
Protein context (NP_004716.1, residues 32-52): VSSWDTSVRL[Tyr42His]DVPANSMRLK

ClinVar aggregate classification (germline): Uncertain significance (1 of 4 stars; one submission).

Allele frequency attached by ClinVar (database versions not stated): gnomAD exomes below 0.00001.
gnomAD v4.1: 2 of 1,614,166 alleles (0.00012%); highest among the groups gnomAD compares: Non-Finnish European, 0.00017%; no homozygotes.

Submission:

Ambry Genetics
Classification: Uncertain significance. Last evaluated: 2022-09-10. Review status: criteria provided, single submitter. Criteria: Ambry Variant Classification Scheme 2023. Collection method: clinical testing. Allele origin: germline.
Comment: The p.Y42H variant (also known as c.124T>C), located in coding exon 1 of the BUB3 gene, results from a T to C substitution at nucleotide position 124. The tyrosine at codon 42 is replaced by histidine, an amino acid with similar properties. This amino acid position is conserved. In addition, the in silico prediction for this alteration is inconclusive. Since supporting evidence is limited at this time, the clinical significance of this alteration remains unclear.